The following is an entry in ClinVar:

NM_001374736.1(DST):c.5125T>C (p.Phe1709Leu)

Gene: DST (dystonin; minus strand). Cytogenetic location: 6p12.1.
Variant type: single nucleotide variant.
Coding change: c.5125T>C on transcript NM_001374736.1 (MANE Select); coding-DNA position 5125, T replaced by C.
Protein change: p.Phe1709Leu; replaces phenylalanine 1709 with leucine.
Molecular consequence: missense variant.
Genome position (GRCh38, 1-based): chr6:56,611,530, A>G on the plus strand (T>C on the coding strand, the complement: DST is on the minus strand). VCF-style: chr6-56611530-A-G. GRCh37 (hg19) VCF-style: chr6-56476328-A-G.
Other names: c.5026T>C, p.Phe1676Leu (NM_001144769.5); c.4612T>C, p.Phe1538Leu (NM_001144770.2); c.5125T>C, p.Phe1709Leu (NM_001374722.1); c.4492T>C, p.Phe1498Leu (NM_001374729.1, NM_001374730.1, NM_001386100.1 and 1 more transcripts); c.5152T>C, p.Phe1718Leu (NM_001374734.1); c.3514T>C, p.Phe1172Leu (NM_015548.5); short protein forms F1172L, F1498L, F1538L, F1676L, F1709L, F1718L.
Identifiers: ClinVar variation 3762806 (VCV003762806.2).

ClinVar aggregate classification (germline): Uncertain significance (1 of 4 stars; one submission).

Conditions:
Epidermolysis bullosa simplex 3, localized or generalized intermediate, with BP230 deficiency (EBS3). Also called: Epidermolysis bullosa simplex due to BP230 deficiency; Epidermolysis bullosa simplex, autosomal recessive 2. Identifiers: Orphanet 412181, MedGen C3809470, MONDO:0014180, OMIM 615425.
Hereditary sensory and autonomic neuropathy type 6. Also called: Neuropathy, hereditary sensory and autonomic, type VI; HSAN VI. Identifiers: Orphanet 314381, MedGen C3539003, MONDO:0013839, OMIM 614653.

gnomAD v4.1: 2 of 1,612,812 alleles (0.00012%); highest among the groups gnomAD compares: Non-Finnish European, 0.00017%; no homozygotes.

Submission:

Labcorp Genetics (formerly Invitae), Labcorp
Classification: Uncertain significance for Epidermolysis bullosa simplex 3, localized or generalized intermediate, with BP230 deficiency; Hereditary sensory and autonomic neuropathy type 6. Last evaluated: 2025-08-11. Review status: criteria provided, single submitter. Criteria: Invitae Variant Classification Sherloc (09022015). Collection method: clinical testing. Allele origin: germline.
Comment: The DST gene has multiple clinically relevant transcripts. This variant occurs in alternate transcript NM_015548.4, and corresponds to NM_001723.5:c.*3987T>C in the primary transcript. This sequence change replaces phenylalanine, which is neutral and non-polar, with leucine, which is neutral and non-polar, at codon 1172 of the DST protein (p.Phe1172Leu). This variant is not present in population databases (gnomAD no frequency). This variant has not been reported in the literature in individuals affected with DST-related conditions. Experimental studies and prediction algorithms are not available or were not evaluated, and the functional significance of this variant is currently unknown. In summary, the available evidence is currently insufficient to determine the role of this variant in disease. Therefore, it has been classified as a Variant of Uncertain Significance.